The following is an entry in ClinVar:

NM_000719.7(CACNA1C):c.5992A>G (p.Thr1998Ala)

Genes: CACNA1C (calcium voltage-gated channel subunit alpha1 C; plus strand), CACNA1C-AS1 (CACNA1C antisense RNA 1; minus strand). Cytogenetic location: 12p13.33.
Variant type: single nucleotide variant.
Coding change: c.5992A>G on transcript NM_000719.7 (MANE Select); coding-DNA position 5992, A replaced by G.
Protein change: p.Thr1998Ala; replaces threonine 1998 with alanine.
Molecular consequence: missense variant.
Genome position (GRCh38, 1-based): chr12:2,688,654, A>G. VCF-style: chr12-2688654-A-G. GRCh37 (hg19) VCF-style: chr12-2797820-A-G.
Other names: c.6136A>G, p.Thr2046Ala (NM_001129827.2); c.6115A>G, p.Thr2039Ala (NM_001129829.2); c.6097A>G, p.Thr2033Ala (NM_001129830.3, NM_001167624.3); c.6076A>G, p.Thr2026Ala (NM_001129831.2); c.6052A>G, p.Thr2018Ala (NM_001129832.2); c.6049A>G, p.Thr2017Ala (NM_001129833.2, NM_001129834.2, NM_001129835.2); c.6043A>G, p.Thr2015Ala (NM_001129836.2); c.6016A>G, p.Thr2006Ala (NM_001129837.2, NM_001129838.2); and 6 more; short protein forms T1987A, T2004A, T2006A, T2015A, T2081A, T1998A, T2017A, T2018A.
Identifiers: ClinVar variation 1514615 (VCV001514615.8), dbSNP rs1338604193, ClinGen allele CA383385025.

ClinVar aggregate classification (germline): Uncertain significance (1 of 4 stars; one submission).

Conditions:
Long QT syndrome (LQTS). Identifiers: MedGen C0023976, MeSH D008133, MONDO:0002442. Disease mechanism: loss of function. Inheritance: Various modes of inheritance.

Submission:

Labcorp Genetics (formerly Invitae), Labcorp
Classification: Uncertain significance for Long QT syndrome. Last evaluated: 2021-03-07. Review status: criteria provided, single submitter. Criteria: Invitae Variant Classification Sherloc (09022015). Collection method: clinical testing. Allele origin: germline.
Comment: In summary, the available evidence is currently insufficient to determine the role of this variant in disease. Therefore, it has been classified as a Variant of Uncertain Significance. Algorithms developed to predict the effect of missense changes on protein structure and function output the following: SIFT: "Tolerated"; PolyPhen-2: "Benign"; Align-GVGD: "Class C0". The alanine amino acid residue is found in multiple mammalian species, suggesting that this missense change does not adversely affect protein function. These predictions have not been confirmed by published functional studies and their clinical significance is uncertain. This variant has not been reported in the literature in individuals with CACNA1C-related conditions. This variant is not present in population databases (ExAC no frequency). This sequence change replaces threonine with alanine at codon 1998 of the CACNA1C protein (p.Thr1998Ala). The threonine residue is weakly conserved and there is a small physicochemical difference between threonine and alanine.